The following is an entry in ClinVar:

ClinVar aggregate classification (germline): Uncertain significance (1 of 4 stars; one submission).

Conditions:
Charcot-Marie-Tooth disease type 2. Also called: Charcot-Marie-Tooth type 2. Identifiers: Orphanet 64746, MedGen C0270914, MONDO:0018993.

gnomAD v4.1: 2 of 1,614,206 alleles (0.00012%); highest among the groups gnomAD compares: Admixed American, 0.0017%; no homozygotes.

Submission:

Labcorp Genetics (formerly Invitae), Labcorp
Classification: Uncertain significance for Charcot-Marie-Tooth disease type 2. Last evaluated: 2024-05-02. Review status: criteria provided, single submitter. Criteria: Invitae Variant Classification Sherloc (09022015). Collection method: clinical testing. Allele origin: germline.
Comment: This sequence change replaces glutamine, which is neutral and polar, with arginine, which is basic and polar, at codon 541 of the AARS protein (p.Gln541Arg). This variant is present in population databases (no rsID available, gnomAD 0.003%). This variant has not been reported in the literature in individuals affected with AARS-related conditions. Advanced modeling of protein sequence and biophysical properties (such as structural, functional, and spatial information, amino acid conservation, physicochemical variation, residue mobility, and thermodynamic stability) performed at Invitae indicates that this missense variant is expected to disrupt AARS protein function with a positive predictive value of 95%. In summary, the available evidence is currently insufficient to determine the role of this variant in disease. Therefore, it has been classified as a Variant of Uncertain Significance.

NM_001605.3(AARS1):c.1622A>G (p.Gln541Arg)

Gene: AARS1 (alanyl-tRNA synthetase 1; minus strand). Cytogenetic location: 16q22.1.
Variant type: single nucleotide variant.
Coding change: c.1622A>G on transcript NM_001605.3 (MANE Select); coding-DNA position 1622, A replaced by G.
Protein change: p.Gln541Arg; replaces glutamine 541 with arginine.
Molecular consequence: missense variant.
Genome position (GRCh38, 1-based): chr16:70,262,395, T>C on the plus strand (A>G on the coding strand, the complement: AARS1 is on the minus strand). VCF-style: chr16-70262395-T-C. GRCh37 (hg19) VCF-style: chr16-70296298-T-C.
Other names: short protein forms Q541R.
Identifiers: ClinVar variation 3660148 (VCV003660148.2).
Genomic context (GRCh38, chr16:70,262,395, plus strand): 5'-TGTTGGCTCACATCTTCACTGCTGTCATCCACCTTCACCAGGTAGCCTTCGTCATAGATC[T>C]GGCCTCCTTGCTCAGCATAGAAACAGGTCTTGTCCAGCACCACTCCACACTCCTGGCCTG-3'
Protein context (NP_001596.2, residues 531-551): KTCFYAEQGG[Gln541Arg]IYDEGYLVKV